The following is an entry in ClinVar:

NM_012239.6(SIRT3):c.843G>A (p.Pro281=)

Gene: SIRT3 (sirtuin 3; minus strand). Cytogenetic location: 11p15.5.
Variant type: single nucleotide variant.
Coding change: c.843G>A on transcript NM_012239.6 (MANE Select); coding-DNA position 843, G replaced by A.
Protein change: p.Pro281=; no amino-acid change (proline 281 retained).
Molecular consequence: synonymous variant. On other transcripts: non-coding transcript variant (16), intron variant (1).
Genome position (GRCh38, 1-based): chr11:224,204, C>T on the plus strand (G>A on the coding strand, the complement: SIRT3 is on the minus strand). VCF-style: chr11-224204-C-T. GRCh37 (hg19) VCF-style: chr11-224204-C-T.
Other names: c.417G>A, p.Pro139= (NM_001017524.3, NM_001370318.1, NM_001370319.1 and 6 more transcripts); c.843G>A, p.Pro281= (NM_001370310.1); c.651G>A, p.Pro217= (NM_001370312.1); c.600G>A, p.Pro200= (NM_001370315.1); c.171G>A, p.Pro57= (NM_001370316.1); c.27G>A, p.Pro9= (NM_001370317.1); c.808-5163G>A (NM_001370314.1).
Identifiers: ClinVar variation 3034628 (VCV003034628.2), dbSNP rs12223279, ClinGen allele CA5771059.

ClinVar aggregate classification (germline): Benign (0 of 4 stars; one submission).

Conditions:
SIRT3-related disorder. Also called: SIRT3-related condition.

Allele frequency attached by ClinVar (database versions not stated): gnomAD exomes 0.00036; gnomAD 0.00074; ExAC 0.00126; 1000 Genomes Project 30x 0.00578; 1000 Genomes Project 0.00579.
gnomAD v4.1: 689 of 1,614,110 alleles (0.043%); highest among the groups gnomAD compares: East Asian, 1.1%; 6 homozygotes.

Submission:

PreventionGenetics, part of Exact Sciences
Classification: Benign for SIRT3-related condition. Last evaluated: 2019-10-28. Review status: no assertion criteria provided. Collection method: clinical testing. Allele origin: germline.
Comment: This variant is classified as benign based on ACMG/AMP sequence variant interpretation guidelines (Richards et al. 2015 PMID: 25741868, with internal and published modifications).